The following is an entry in ClinVar:

ClinVar aggregate classification (germline): Uncertain significance (1 of 4 stars; one submission).

Conditions:
Hereditary cancer-predisposing syndrome. Also called: Neoplastic Syndromes, Hereditary; Tumor predisposition; Hereditary Cancer Syndrome; Hereditary neoplastic syndrome. Identifiers: Orphanet 140162, MedGen C0027672, MeSH D009386, MONDO:0015356.

Submission:

Ambry Genetics
Classification: Uncertain significance for Hereditary cancer-predisposing syndrome. Last evaluated: 2026-06-12. Review status: criteria provided, single submitter. Criteria: Ambry Variant Classification Scheme 2023. Collection method: clinical testing. Allele origin: germline.
Comment: This complex insertion was identified between c.671-46 and c.671-45 in CDS intron 8 of the BRCA1 gene. The exact nature and sequence of this insertion could not be determined at this time. Since supporting evidence is limited at this time, the clinical significance of this variant remains unclear.

NM_007294.3:c.671-46_671-45insALU

Gene: BRCA1 (BRCA1 DNA repair associated; minus strand).
Variant type: Insertion.
Identifiers: ClinVar variation 4867748 (VCV004867748.1).